The following is an entry in ClinVar:

ClinVar aggregate classification (germline): Likely benign (0 of 4 stars; one submission).

Conditions:
TACSTD2-related disorder. Also called: TACSTD2-related condition.

Allele frequency attached by ClinVar (database versions not stated): gnomAD exomes 0.00001; gnomAD 0.00012; TOPMed 0.00023; 1000 Genomes Project 30x 0.00031; 1000 Genomes Project 0.00040.

Submission:

PreventionGenetics, part of Exact Sciences
Classification: Likely benign for TACSTD2-related condition. Last evaluated: 2019-08-19. Review status: no assertion criteria provided. Collection method: clinical testing. Allele origin: germline.
Comment: This variant is classified as likely benign based on ACMG/AMP sequence variant interpretation guidelines (Richards et al. 2015 PMID: 25741868, with internal and published modifications).

NM_002353.3(TACSTD2):c.69G>A (p.Ala23=)

Gene: TACSTD2 (tumor associated calcium signal transducer 2; minus strand). Cytogenetic location: 1p32.1.
Variant type: single nucleotide variant.
Coding change: c.69G>A on transcript NM_002353.3 (MANE Select); coding-DNA position 69, G replaced by A.
Protein change: p.Ala23=; no amino-acid change (alanine 23 retained).
Molecular consequence: synonymous variant.
Genome position (GRCh38, 1-based): chr1:58,577,088, C>T on the plus strand (G>A on the coding strand, the complement: TACSTD2 is on the minus strand). VCF-style: chr1-58577088-C-T. GRCh37 (hg19) VCF-style: chr1-59042760-C-T.
Identifiers: ClinVar variation 3052441 (VCV003052441.2), dbSNP rs539258485, ClinGen allele CA877495.